The following is an entry in ClinVar:

ClinVar aggregate classification (germline): Uncertain significance. Review status: criteria provided, single submitter (1 of 4 stars). 2 submissions from 2 submitters: Uncertain significance (1). 1 of the submissions does not count toward it. Last evaluated 2025-03-01.

Conditions:
Hypercholesterolemia, familial, 1. Also called: LDL RECEPTOR DISORDER; Hyperlipoproteinemia Type IIa; HYPER-LOW-DENSITY-LIPOPROTEINEMIA; HYPERCHOLESTEROLEMIC XANTHOMATOSIS, FAMILIAL; Fredrickson type IIa hyperlipoproteinemia; Hyperlipoproteinemia type 2. Identifiers: Orphanet 391665, MedGen C0745103, MONDO:0007750, OMIM 143890.

gnomAD v4.1: 2 of 1,614,132 alleles (0.00012%); highest among the groups gnomAD compares: South Asian, 0.0022%; no homozygotes.

Submissions (2):

Ambry Genetics
Classification: Uncertain significance. Last evaluated: 2025-03-01. Review status: criteria provided, single submitter. Criteria: Ambry Variant Classification Scheme 2023. Collection method: clinical testing. Allele origin: germline.

Research Laboratories, P. D. Hinduja Hospital & MRC
Classification: Pathogenic for Hypercholesterolemia, familial, 1. Last evaluated: 2022-12-16. Review status: no assertion criteria provided. Collection method: case-control. Allele origin: germline. Affected: yes. Observed: 1 variant allele, 1 heterozygote. Not counted in ClinVar's aggregate classification.
Comment: This variant was identified as part of the ICMR-funded project (Ref No. 2020-3881). A missense variant in PHYHD1 (NM_001100876.2), c.227A>C, resulting in a lysine to threonine substitution at position 76 (p.Lys76Thr). To our knowledge, functional studies specific to this variant have not been reported. This variant has not been described in individuals with Familial Hypercholesterolemia (FH) in the literature; however, the PHYHD1 gene is associated with lipid metabolism according to the LIPID MAPS Proteome Database (LMPD). Computational predictions using MutationTaster and PolyPhen-2 suggest that this variant is likely deleterious and possibly damaging to protein function (GRCh38).

NM_001100876.2(PHYHD1):c.227A>C (p.Lys76Thr)

Gene: PHYHD1 (phytanoyl-CoA dioxygenase domain containing 1; plus strand). Cytogenetic location: 9q34.11.
Variant type: single nucleotide variant.
Coding change: c.227A>C on transcript NM_001100876.2 (MANE Select); coding-DNA position 227, A replaced by C.
Protein change: p.Lys76Thr; replaces lysine 76 with threonine.
Molecular consequence: missense variant.
Genome position (GRCh38, 1-based): chr9:128,933,816, A>C. VCF-style: chr9-128933816-A-C. GRCh37 (hg19) VCF-style: chr9-131696095-A-C.
Other names: c.227A>C, p.Lys76Thr (NM_001100877.1, NM_174933.4); short protein forms K76T.
Identifiers: ClinVar variation 3888564 (VCV003888564.2).